The following is an entry in ClinVar:

NM_001297.5(CNGB1):c.1957+2T>G

Gene: CNGB1 (cyclic nucleotide gated channel subunit beta 1; minus strand). Cytogenetic location: 16q21.
Variant type: single nucleotide variant.
Coding change: c.1957+2T>G on transcript NM_001297.5 (MANE Select); the canonical splice donor site of the intron after coding-DNA position 1957, T replaced by G.
Molecular consequence: splice donor variant.
Genome position (GRCh38, 1-based): chr16:57,919,097, A>C on the plus strand (T>G on the coding strand, the complement: CNGB1 is on the minus strand). VCF-style: chr16-57919097-A-C. GRCh37 (hg19) VCF-style: chr16-57953001-A-C.
Other names: c.1939+2T>G (NM_001286130.2).
Identifiers: ClinVar variation 973355 (VCV000973355.3), dbSNP rs755398007, ClinGen allele CA8083234.

ClinVar aggregate classification (germline): Pathogenic. Review status: criteria provided, multiple submitters, no conflicts (2 of 4 stars). 2 submissions from 2 submitters: Pathogenic (2). Last evaluated 2024-12-15.

Conditions:
Retinitis pigmentosa (RP). Identifiers: Orphanet 791, MedGen C0035334, MeSH D012174, MONDO:0019200, OMIM 268000. Inheritance: Autosomal dominant, autosomal recessive and X linked inheritance.

Allele frequency attached by ClinVar (database versions not stated): ExAC 0.00002.
gnomAD v4.1: 8 of 1,614,104 alleles (0.0005%); highest among the groups gnomAD compares: Non-Finnish European, 0.00068%; no homozygotes.

Submissions (2):

Labcorp Genetics (formerly Invitae), Labcorp
Classification: Pathogenic. Last evaluated: 2024-12-15. Review status: criteria provided, single submitter. Criteria: Invitae Variant Classification Sherloc (09022015). Collection method: clinical testing. Allele origin: germline.
Comment: This sequence change affects a donor splice site in intron 20 of the CNGB1 gene. It is expected to disrupt RNA splicing. Variants that disrupt the donor or acceptor splice site typically lead to a loss of protein function (PMID: 16199547), and loss-of-function variants in CNGB1 are known to be pathogenic (PMID: 15557452, 24043777). This variant is present in population databases (rs755398007, gnomAD 0.003%). Disruption of this splice site has been observed in individuals with CNGB1-related conditions (PMID: 33576794, 33847019, 36819107; internal data). ClinVar contains an entry for this variant (Variation ID: 973355). Algorithms developed to predict the effect of sequence changes on RNA splicing suggest that this variant may disrupt the consensus splice site. For these reasons, this variant has been classified as Pathogenic.

INSERM U1051, Institut des Neurosciences de Montpellier
Classification: Pathogenic for Retinitis pigmentosa. Last evaluated: 2020-06-24. Review status: criteria provided, single submitter. Criteria: ACMG Guidelines, 2015. Collection method: research. Allele origin: inherited. Affected: yes.

Literature cited by the submitters: PubMed 16199547 (cited by Labcorp Genetics (formerly Invitae), Labcorp); PubMed 15557452 (cited by Labcorp Genetics (formerly Invitae), Labcorp); PubMed 24043777 (cited by Labcorp Genetics (formerly Invitae), Labcorp); PubMed 33576794 (cited by Labcorp Genetics (formerly Invitae), Labcorp); PubMed 33847019 (cited by Labcorp Genetics (formerly Invitae), Labcorp); PubMed 36819107 (cited by Labcorp Genetics (formerly Invitae), Labcorp).